The following is an entry in ClinVar:

NM_015338.6(ASXL1):c.4162A>G (p.Thr1388Ala)

Gene: ASXL1 (ASXL transcriptional regulator 1; plus strand). Cytogenetic location: 20q11.21.
Variant type: single nucleotide variant.
Coding change: c.4162A>G on transcript NM_015338.6 (MANE Select); coding-DNA position 4162, A replaced by G.
Protein change: p.Thr1388Ala; replaces threonine 1388 with alanine.
Molecular consequence: missense variant.
Genome position (GRCh38, 1-based): chr20:32,436,874, A>G. VCF-style: chr20-32436874-A-G. GRCh37 (hg19) VCF-style: chr20-31024677-A-G.
Other names: c.3979A>G, p.Thr1327Ala (NM_001363734.1); short protein forms T1327A, T1388A.
Identifiers: ClinVar variation 2066912 (VCV002066912.5), dbSNP rs2011936914, ClinGen allele CA408564575.
Genomic context (GRCh38, chr20:32,436,874, plus strand): 5'-AAGAATGAGAAGACTTTTGTGGGGGGTCCTCTTAAGGCAAATGCCGAGAACAGGAAAGCT[A>G]CTGGGCATAGTCCCCTGGAACTGGTGGGTCACTTGGAAGGGATGCCCTTTGTCATGGACT-3'
Protein context (NP_056153.2, residues 1378-1398): LKANAENRKA[Thr1388Ala]GHSPLELVGH

ClinVar aggregate classification (germline): Conflicting classifications of pathogenicity. Review status: criteria provided, conflicting classifications (1 of 4 stars). 2 submissions from 2 submitters: Uncertain significance (1); Likely benign (1). Last evaluated 2024-12-29.

Conditions:
Inborn genetic diseases. Identifiers: MedGen C0950123, MeSH D030342.

Allele frequency attached by ClinVar (database versions not stated): gnomAD exomes below 0.00001; TOPMed below 0.00001.
gnomAD v4.1: 5 of 1,614,226 alleles (0.00031%); highest among the groups gnomAD compares: Non-Finnish European, 0.00042%; no homozygotes.

Submissions (2):

Ambry Genetics
Classification: Likely benign for Inborn genetic diseases. Last evaluated: 2024-12-29. Review status: criteria provided, single submitter. Criteria: Ambry Variant Classification Scheme 2023. Collection method: clinical testing. Allele origin: germline.

Labcorp Genetics (formerly Invitae), Labcorp
Classification: Uncertain significance. Last evaluated: 2021-12-30. Review status: criteria provided, single submitter. Criteria: Invitae Variant Classification Sherloc (09022015). Collection method: clinical testing. Allele origin: germline.
Comment: This variant has not been reported in the literature in individuals affected with ASXL1-related conditions. In summary, the available evidence is currently insufficient to determine the role of this variant in disease. Therefore, it has been classified as a Variant of Uncertain Significance. Algorithms developed to predict the effect of missense changes on protein structure and function output the following: SIFT: "Tolerated"; PolyPhen-2: "Benign"; Align-GVGD: "Class C0". The alanine amino acid residue is found in multiple mammalian species, which suggests that this missense change does not adversely affect protein function. This variant is not present in population databases (gnomAD no frequency). This sequence change replaces threonine, which is neutral and polar, with alanine, which is neutral and non-polar, at codon 1388 of the ASXL1 protein (p.Thr1388Ala).